The following is an entry in ClinVar:

NM_013451.4(MYOF):c.5586C>T (p.Ile1862=)

Gene: MYOF (myoferlin; minus strand). Cytogenetic location: 10q23.33.
Variant type: single nucleotide variant.
Coding change: c.5586C>T on transcript NM_013451.4 (MANE Select); coding-DNA position 5586, C replaced by T.
Protein change: p.Ile1862=; no amino-acid change (isoleucine 1862 retained).
Molecular consequence: synonymous variant.
Genome position (GRCh38, 1-based): chr10:93,319,884, G>A on the plus strand (C>T on the coding strand, the complement: MYOF is on the minus strand). VCF-style: chr10-93319884-G-A. GRCh37 (hg19) VCF-style: chr10-95079641-G-A.
Other names: c.5547C>T, p.Ile1849= (NM_133337.3).
Identifiers: ClinVar variation 2640686 (VCV002640686.24), dbSNP rs181874899, ClinGen allele CA5606649.

ClinVar aggregate classification (germline): Likely benign (1 of 4 stars; one submission).

Allele frequency attached by ClinVar (database versions not stated): TOPMed 0.00029; 1000 Genomes Project 30x 0.00031; gnomAD 0.00034; ExAC 0.00036; 1000 Genomes Project 0.00040; ESP Exome Variant Server 0.00042.
gnomAD v4.1: 712 of 1,613,968 alleles (0.044%); highest among the groups gnomAD compares: East Asian, 0.096%; no homozygotes.

Submission:

CeGaT Center for Human Genetics Tuebingen
Classification: Likely benign. Last evaluated: 2023-02-01. Review status: criteria provided, single submitter. Criteria: CeGaT Center For Human Genetics Tuebingen Variant Classification Criteria Version 2. Collection method: clinical testing. Allele origin: germline. Affected: yes. Observed: 1 variant allele.
Comment: MYOF: BP4, BP7